The following is an entry in ClinVar:

Single allele

Gene: OR4C12 (olfactory receptor family 4 subfamily C member 12; minus strand). Cytogenetic location: 11p11.12.
Variant type: Duplication.
Identifiers: ClinVar variation 157204 (VCV000157204.2).

ClinVar aggregate classification (germline): not provided (0 of 4 stars; one submission).

Conditions:
Preeclampsia. Identifiers: Orphanet 275555, MedGen C0032914, MONDO:0005081, HP:0100602.

Submission:

Institute of Molecular and Cell Biology, University of Tartu
No classification provided. Condition: Preeclampsia. Review status: no classification provided. Collection method: case-control. Allele origin: unknown. Affected: yes. Study: Kasak2014.
Comment: The study aimed to determine the contribution of copy number variants in the genetic etiology of normal and complicated pregnancies. The samples represented (i) maternal blood DNA drawn from healthy pregnant women during 1st or 2nd trimester and (ii) maternal and paternal blood DNA drawn at term pregnancy cases representing normal and complicated gestations (severe preeclampsia, PE; gestational diabetes, GD; small-for-gestational age newborn, SGA; large-for-gestational age newborn, LGA). We performed CNV calling based on genome-wide genotyping dataset (Illumina HumanOmniExpress-24-v1 BeadChip) by applying three algorithms, QuantiSNP, GADA (Genome Alteration Detection Algorithm) and CNstream in parallel. The acquired CNV calls were merged with HD-CNV (Hotspot Detector for Copy Number Variants) program and only the CNVs predicted by at least two programs, were considered in subsequent analysis.

Literature cited by the submitters: PubMed 25666259.